The following is an entry in ClinVar:

NM_005802.5(TOPORS):c.2682G>T (p.Lys894Asn)

Gene: TOPORS (TOP1 binding arginine/serine rich protein, E3 ubiquitin ligase; minus strand). Cytogenetic location: 9p21.1.
Variant type: single nucleotide variant.
Coding change: c.2682G>T on transcript NM_005802.5 (MANE Select); coding-DNA position 2682, G replaced by T.
Protein change: p.Lys894Asn; replaces lysine 894 with asparagine.
Molecular consequence: missense variant.
Genome position (GRCh38, 1-based): chr9:32,541,843, C>A on the plus strand (G>T on the coding strand, the complement: TOPORS is on the minus strand). VCF-style: chr9-32541843-C-A. GRCh37 (hg19) VCF-style: chr9-32541841-C-A.
Other names: c.2487G>T, p.Lys829Asn (NM_001195622.2); short protein forms K829N, K894N.
Identifiers: ClinVar variation 1478503 (VCV001478503.8), dbSNP rs770894688, ClinGen allele CA373161988.

ClinVar aggregate classification (germline): Uncertain significance (1 of 4 stars; one submission).

Submission:

Labcorp Genetics (formerly Invitae), Labcorp
Classification: Uncertain significance. Last evaluated: 2022-02-24. Review status: criteria provided, single submitter. Criteria: Invitae Variant Classification Sherloc (09022015). Collection method: clinical testing. Allele origin: germline.
Comment: Algorithms developed to predict the effect of missense changes on protein structure and function are either unavailable or do not agree on the potential impact of this missense change (SIFT: "Tolerated"; PolyPhen-2: "Not Available"; Align-GVGD: "Class C0"). In summary, the available evidence is currently insufficient to determine the role of this variant in disease. Therefore, it has been classified as a Variant of Uncertain Significance. This variant has not been reported in the literature in individuals affected with TOPORS-related conditions. This variant is not present in population databases (gnomAD no frequency). This sequence change replaces lysine, which is basic and polar, with asparagine, which is neutral and polar, at codon 894 of the TOPORS protein (p.Lys894Asn).